The following is an entry in ClinVar:

ClinVar aggregate classification (germline): Likely pathogenic (1 of 4 stars; one submission).

Submission:

GeneDx
Classification: Likely pathogenic. Last evaluated: 2017-09-28. Review status: criteria provided, single submitter. Criteria: GeneDx Variant Classification (06012015). Collection method: clinical testing. Allele origin: germline. Affected: yes.
Comment: The Q262X variant in the LHX4 gene has not been reported previously as a pathogenic variant nor as a benign variant, to our knowledge. This variant is predicted to cause loss of normal protein function through protein truncation. The Q262X variant is not observed in large population cohorts (Lek et al., 2016). We interpret Q262X as a likely pathogenic variant.

NM_033343.4(LHX4):c.784C>T (p.Gln262Ter)

Genes: LHX4-AS1 (LHX4 antisense RNA 1; minus strand), LHX4 (LIM homeobox 4; plus strand), ACBD6 (acyl-CoA binding domain containing 6; minus strand). Cytogenetic location: 1q25.2.
Variant type: single nucleotide variant.
Coding change: c.784C>T on transcript NM_033343.4 (MANE Select); coding-DNA position 784, C replaced by T.
Protein change: p.Gln262Ter; replaces glutamine 262 with a stop codon.
Molecular consequence: nonsense.
Genome position (GRCh38, 1-based): chr1:180,274,190, C>T. VCF-style: chr1-180274190-C-T. GRCh37 (hg19) VCF-style: chr1-180243325-C-T.
Other names: short protein forms Q262*.
Identifiers: ClinVar variation 452128 (VCV000452128.2), dbSNP rs774795540, ClinGen allele CA343599525.